The following is an entry in ClinVar:

NM_003238.6(TGFB2):c.978C>A (p.Phe326Leu)

Gene: TGFB2 (transforming growth factor beta 2; plus strand). Cytogenetic location: 1q41.
Variant type: single nucleotide variant.
Coding change: c.978C>A on transcript NM_003238.6 (MANE Select); coding-DNA position 978, C replaced by A.
Protein change: p.Phe326Leu; replaces phenylalanine 326 with leucine.
Molecular consequence: missense variant. On other transcripts: non-coding transcript variant (2).
Genome position (GRCh38, 1-based): chr1:218,437,388, C>A. VCF-style: chr1-218437388-C-A. GRCh37 (hg19) VCF-style: chr1-218610730-C-A.
Other names: c.1062C>A, p.Phe354Leu (NM_001135599.4); short protein forms F354L, F326L.
Identifiers: ClinVar variation 2736484 (VCV002736484.3), dbSNP rs1405556618, ClinGen allele CA344727488.
Genomic context (GRCh38, chr1:218,437,388, plus strand): 5'-TTTTTTTTTTAACAGAAATGTGCAGGATAATTGCTGCCTACGTCCACTTTACATTGATTT[C>A]AAGAGGGATCTAGGGTGGAAATGGATACACGAACCCAAAGGGTACAATGCCAACTTCTGT-3'
Protein context (NP_003229.1, residues 316-336): NCCLRPLYID[Phe326Leu]KRDLGWKWIH

ClinVar aggregate classification (germline): Uncertain significance (1 of 4 stars; one submission).

Conditions:
Loeys-Dietz syndrome 4 (LDS4). Also called: TGFB2-Related Loeys-Dietz Syndrome; ANEURYSM, AORTIC AND CEREBRAL, WITH ARTERIAL TORTUOSITY AND SKELETAL MANIFESTATIONS. Identifiers: MedGen C3553762, MONDO:0013897, OMIM 614816.

Submission:

Labcorp Genetics (formerly Invitae), Labcorp
Classification: Uncertain significance for Loeys-Dietz syndrome 4. Last evaluated: 2023-08-01. Review status: criteria provided, single submitter. Criteria: Invitae Variant Classification Sherloc (09022015). Collection method: clinical testing. Allele origin: germline.
Comment: This variant is not present in population databases (gnomAD no frequency). In summary, the available evidence is currently insufficient to determine the role of this variant in disease. Therefore, it has been classified as a Variant of Uncertain Significance. Advanced modeling of protein sequence and biophysical properties (such as structural, functional, and spatial information, amino acid conservation, physicochemical variation, residue mobility, and thermodynamic stability) performed at Invitae indicates that this missense variant is not expected to disrupt TGFB2 protein function. This variant has not been reported in the literature in individuals affected with TGFB2-related conditions. This sequence change replaces phenylalanine, which is neutral and non-polar, with leucine, which is neutral and non-polar, at codon 326 of the TGFB2 protein (p.Phe326Leu).